The following is an entry in ClinVar:

NM_006302.3(MOGS):c.418G>A (p.Gly140Arg)

Gene: MOGS (mannosyl-oligosaccharide glucosidase; minus strand). Cytogenetic location: 2p13.1.
Variant type: single nucleotide variant.
Coding change: c.418G>A on transcript NM_006302.3 (MANE Select); coding-DNA position 418, G replaced by A.
Protein change: p.Gly140Arg; replaces glycine 140 with arginine.
Molecular consequence: missense variant.
Genome position (GRCh38, 1-based): chr2:74,464,657, C>T on the plus strand (G>A on the coding strand, the complement: MOGS is on the minus strand). VCF-style: chr2-74464657-C-T. GRCh37 (hg19) VCF-style: chr2-74691784-C-T.
Other names: c.100G>A, p.Gly34Arg (NM_001146158.2); short protein forms G140R, G34R.
Identifiers: ClinVar variation 2066361 (VCV002066361.4), dbSNP rs760685740, ClinGen allele CA347381914.

ClinVar aggregate classification (germline): Uncertain significance (1 of 4 stars; one submission).

Conditions:
MOGS-congenital disorder of glycosylation. Also called: CDG IIb; GLUCOSIDASE I DEFICIENCY; MOGS-CDG; CDG 2B. Identifiers: Orphanet 79330, MedGen C1853736, MONDO:0011629, OMIM 606056.

Submission:

Labcorp Genetics (formerly Invitae), Labcorp
Classification: Uncertain significance for MOGS-congenital disorder of glycosylation. Last evaluated: 2022-07-06. Review status: criteria provided, single submitter. Criteria: Invitae Variant Classification Sherloc (09022015). Collection method: clinical testing. Allele origin: germline.
Comment: This sequence change replaces glycine, which is neutral and non-polar, with arginine, which is basic and polar, at codon 140 of the MOGS protein (p.Gly140Arg). This variant is not present in population databases (gnomAD no frequency). This variant has not been reported in the literature in individuals affected with MOGS-related conditions. Algorithms developed to predict the effect of missense changes on protein structure and function are either unavailable or do not agree on the potential impact of this missense change (SIFT: "Deleterious"; PolyPhen-2: "Possibly Damaging"; Align-GVGD: "Class C0"). Algorithms developed to predict the effect of sequence changes on RNA splicing suggest that this variant may create or strengthen a splice site. In summary, the available evidence is currently insufficient to determine the role of this variant in disease. Therefore, it has been classified as a Variant of Uncertain Significance.